The following is an entry in ClinVar:

ClinVar aggregate classification (germline): Uncertain significance. Review status: criteria provided, multiple submitters, no conflicts (2 of 4 stars). 3 submissions from 3 submitters: Uncertain significance (3). Last evaluated 2026-05-28.

Conditions:
Polycystic kidney disease, adult type (PKD1). Also called: Polycystic Kidney Disease 1, Autosomal Dominant; Polycystic kidney disease 1; Polycystic kidney disease 1, severe; POLYCYSTIC KIDNEY DISEASE 1 WITH OR WITHOUT POLYCYSTIC LIVER DISEASE; POLYCYSTIC KIDNEY DISEASE, ADULT, TYPE I; Polycystic Kidney, Autosomal Dominant. Identifiers: MedGen C3149841, MONDO:0008263, OMIM 173900.

Submissions (3):

Victorian Clinical Genetics Services, Murdoch Childrens Research Institute
Classification: Uncertain significance for Polycystic kidney disease, adult type. Last evaluated: 2026-05-28. Review status: criteria provided, single submitter. Criteria: ACMG Guidelines, 2015. Collection method: clinical testing. Allele origin: germline. Affected: yes.
Comment: This variant is classified as VUS-3A. Evidence in support of pathogenic classification: Non-canonical splice site variant without proven consequence on splicing (no functional evidence available); Variant is absent from gnomAD (v2, v3 and v4). Additional information: This variant is heterozygous; This gene is associated with autosomal dominant disease. Polycystic kidney disease 1 (MIM#173900) is predominantly caused by monoallelic variants, with rare reports of biallelic variants causing disease (OMIM); Alternative nucleotide change(s) at the same splice site are present in gnomAD (highest alelle count: v4: 1 heterozygote(s), 0 homozygote(s)); Previous reports of pathogenicity for this variant are conflicting. This variant has been classified as a VUS by clinical laboratories in ClinVar; one of these entries overlaps with an individual described in the literature with multiple renal cysts (PMID: 33437033). This variant has also been classified as likely pathogenic by the ADPKD database. - No published evidence of segregation with disease has been identified for this variant; No published functional evidence has been identified for this variant; Other splice variant(s) comparable to the one identified in this case have conflicting previous evidence for pathogenicity. c.10405+5G>A has been classified as a VUS by a clinical laboratory in ClinVar, and c.10405+5G>C has been reported in an individual with ADPKD (PMID: 24611717); In silico prediction for abnormal splicing and nucleotide conservation are conflicting; Loss of function is a known mechanism of disease in this gene and is associated with polycystic kidney disease 1 (MIM#173900); Inheritance information for this variant is not currently available in this individual.

Women's Health and Genetics/Laboratory Corporation of America, LabCorp
Classification: Uncertain significance. Last evaluated: 2025-06-20. Review status: criteria provided, single submitter. Criteria: LabCorp Variant Classification Summary - May 2015. Collection method: clinical testing. Allele origin: germline.
Comment: Variant summary: PKD1 c.10405+5G>T alters a nucleotide located close to a canonical splice site and therefore could affect mRNA splicing, leading to a significantly altered protein sequence. Several computational tools predict a significant impact on normal splicing: Four predict the variant weakens a canonical 5' donor site. Two predict the variant strengthens a cryptic 5' donor site. However, these predictions have yet to be confirmed by functional studies. The variant was absent in 247402 control chromosomes (gnomAD). The available data on variant occurrences in the general population are insufficient to allow any conclusion about variant significance. c.10405+5G>T has been observed in an individual affected with Polycystic Kidney Disease 1 (Mallawaarachchi_2021). These reports do not provide unequivocal conclusions about association of the variant with Polycystic Kidney Disease 1. To our knowledge, no experimental evidence demonstrating an impact on protein function has been reported. The following publication has been ascertained in the context of this evaluation (PMID: 33437033). ClinVar contains an entry for this variant (Variation ID: 972822). Based on the evidence outlined above, the variant was classified as uncertain significance.

Molecular Genetics of Inherited Kidney Disorders Laboratory, Garvan Institute of Medical Research
Classification: Uncertain significance. Last evaluated: 2019-01-01. Review status: criteria provided, single submitter. Criteria: ACMG Guidelines, 2015. Collection method: clinical testing. Allele origin: germline. Affected: yes.

Literature cited by the submitters: PubMed 33437033 (cited by Victorian Clinical Genetics Services, Murdoch Childrens Research Institute and Women's Health and Genetics/Laboratory Corporation of America, LabCorp); PubMed 24611717 (cited by Victorian Clinical Genetics Services, Murdoch Childrens Research Institute).

NM_001009944.3(PKD1):c.10405+5G>T

Gene: PKD1 (polycystin 1, transient receptor potential channel interacting; minus strand). Cytogenetic location: 16p13.3.
Variant type: single nucleotide variant.
Coding change: c.10405+5G>T on transcript NM_001009944.3 (MANE Select); 5 bases into the intron after coding-DNA position 10405, G replaced by T.
Molecular consequence: intron variant.
Genome position (GRCh38, 1-based): chr16:2,097,314, C>A on the plus strand (G>T on the coding strand, the complement: PKD1 is on the minus strand). VCF-style: chr16-2097314-C-A. GRCh37 (hg19) VCF-style: chr16-2147315-C-A.
Other names: c.10402+5G>T (NM_000296.4).
Identifiers: ClinVar variation 972822 (VCV000972822.3), dbSNP rs2091888953, ClinGen allele CA1139664428.